The following is an entry in ClinVar:

ClinVar aggregate classification (germline): Uncertain significance. Review status: criteria provided, multiple submitters, no conflicts (2 of 4 stars). 2 submissions from 2 submitters: Uncertain significance (2). Last evaluated 2026-02-17.

Conditions:
Inborn genetic diseases. Identifiers: MedGen C0950123, MeSH D030342.
Beckwith-Wiedemann syndrome (BWS). Also called: Exomphalos macroglossia gigantism syndrome; EMG SYNDROME. Identifiers: Orphanet 116, MedGen C0004903, MONDO:0007534, OMIM 130650.

Allele frequency attached by ClinVar (database versions not stated): TOPMed 0.00001.

Submissions (2):

Ambry Genetics
Classification: Uncertain significance for Inborn genetic diseases. Last evaluated: 2026-02-17. Review status: criteria provided, single submitter. Criteria: Ambry Variant Classification Scheme 2023. Collection method: clinical testing. Allele origin: germline.

Labcorp Genetics (formerly Invitae), Labcorp
Classification: Uncertain significance for Beckwith-Wiedemann syndrome. Last evaluated: 2024-07-31. Review status: criteria provided, single submitter. Criteria: Invitae Variant Classification Sherloc (09022015). Collection method: clinical testing. Allele origin: germline.
Comment: This sequence change replaces alanine, which is neutral and non-polar, with proline, which is neutral and non-polar, at codon 159 of the CDKN1C protein (p.Ala159Pro). This variant is not present in population databases (gnomAD no frequency). This variant has not been reported in the literature in individuals affected with CDKN1C-related conditions. ClinVar contains an entry for this variant (Variation ID: 956383). Advanced modeling of protein sequence and biophysical properties (such as structural, functional, and spatial information, amino acid conservation, physicochemical variation, residue mobility, and thermodynamic stability) performed at Invitae indicates that this missense variant is not expected to disrupt CDKN1C protein function with a negative predictive value of 80%. In summary, the available evidence is currently insufficient to determine the role of this variant in disease. Therefore, it has been classified as a Variant of Uncertain Significance.

NM_001122630.2(CDKN1C):c.442G>C (p.Ala148Pro)

Gene: CDKN1C (cyclin dependent kinase inhibitor 1C; minus strand). Cytogenetic location: 11p15.4.
Variant type: single nucleotide variant.
Coding change: c.442G>C on transcript NM_001122630.2 (MANE Select); coding-DNA position 442, G replaced by C.
Protein change: p.Ala148Pro; replaces alanine 148 with proline.
Molecular consequence: missense variant. On other transcripts: intron variant (1).
Genome position (GRCh38, 1-based): chr11:2,885,015, C>G on the plus strand (G>C on the coding strand, the complement: CDKN1C is on the minus strand). VCF-style: chr11-2885015-C-G. GRCh37 (hg19) VCF-style: chr11-2906245-C-G.
Other names: c.475G>C, p.Ala159Pro (NM_000076.2, NM_001362474.2); c.442G>C, p.Ala148Pro (NM_001122631.2); c.255+187G>C (NM_001362475.2); short protein forms A159P, A148P.
Identifiers: ClinVar variation 956383 (VCV000956383.10), dbSNP rs1237188823, ClinGen allele CA379146627.